The following is an entry in ClinVar:

ClinVar aggregate classification (germline): Benign. Review status: criteria provided, multiple submitters, no conflicts (2 of 4 stars). 2 submissions from 2 submitters: Benign (2). Last evaluated 2026-02-03.

Submissions (2):

Labcorp Genetics (formerly Invitae), Labcorp
Classification: Benign. Last evaluated: 2026-02-03. Review status: criteria provided, single submitter. Criteria: Invitae Variant Classification Sherloc (09022015). Collection method: clinical testing. Allele origin: germline.

Women's Health and Genetics/Laboratory Corporation of America, LabCorp
Classification: Benign. Last evaluated: 2026-01-22. Review status: criteria provided, single submitter. Criteria: LabCorp Variant Classification Summary - May 2015. Collection method: clinical testing. Allele origin: germline.
Comment: Variant summary: C8A c.1454_1455delinsTT (p.Arg485Leu) results in a non-conservative amino acid change in the encoded protein sequence. Algorithms developed to predict the effect of missense changes on protein structure and function are either unavailable or do not agree on the potential impact of this missense change. The variant allele was found at a frequency of 0.07778 in 282674 control chromosomes, suggesting that it is the major allele and therefore benign. The observed variant frequency exceeds the estimated maximal expected allele frequency for disease-causing variants in C8A. To our knowledge, no occurrence of c.1454_1455delinsTT in individuals affected with C8A-related conditions and no experimental evidence demonstrating its impact on protein function have been reported. ClinVar contains an entry for this variant (Variation ID: 1169425). Based on the evidence outlined above, the variant was classified as benign.

NM_000562.3(C8A):c.1454_1455delinsTT (p.Arg485Leu)

Gene: C8A (complement C8 alpha chain; plus strand). Cytogenetic location: 1p32.2.
Variant type: Indel.
Coding change: c.1454_1455delinsTT on transcript NM_000562.3 (MANE Select); coding-DNA positions 1454 to 1455, GC replaced by TT.
Protein change: p.Arg485Leu; replaces arginine 485 with leucine.
Molecular consequence: missense variant.
Genome position (GRCh38, 1-based): chr1:56,912,476-56,912,477, GC replaced by TT. VCF-style: chr1-56912476-GC-TT. GRCh37 (hg19) VCF-style: chr1-57378149-GC-TT.
Other names: short protein forms R485L.
Identifiers: ClinVar variation 1169425 (VCV001169425.10), dbSNP rs386631447, ClinGen allele CA22842390.
Genomic context (GRCh38, chr1:56,912,476, plus strand): 5'-ACGAGGTGCTGCGGCACACAAGCCTGGGGCCTCTGGAGGCCAAGCGCCAGAACCTGCGCC[GC>TT]GCCTTGGACCAGTATCTGATGGAATTCAATGCCTGCCGATGTGGGCCTTGCTTCAACAAT-3'
Protein context (NP_000553.1, residues 475-495): PLEAKRQNLR[Arg485Leu]ALDQYLMEFN